The following is an entry in ClinVar:

NM_002516.4(NOVA2):c.-157C>T

Gene: NOVA2 (NOVA alternative splicing regulator 2; minus strand). Cytogenetic location: 19q13.32.
Variant type: single nucleotide variant.
Coding change: c.-157C>T on transcript NM_002516.4 (MANE Select); 157 bases upstream of the start codon, C replaced by T.
Molecular consequence: 5 prime UTR variant.
Genome position (GRCh38, 1-based): chr19:45,973,508, G>A on the plus strand (C>T on the coding strand, the complement: NOVA2 is on the minus strand). VCF-style: chr19-45973508-G-A. GRCh37 (hg19) VCF-style: chr19-46476766-G-A.
Identifiers: ClinVar variation 4873958 (VCV004873958.2).
Genomic context (GRCh38, chr19:45,973,508, plus strand): 5'-GGGTTGCGGCGGCGGCGGCGGCGGGGGCGGCGGCGGCTGCGGGGCCGCGGAGGCCGTGAA[G>A]AGGCCGTGCACCGCGCCGGCGGCCATCATCCTCATGGTGGGGGGGGGCGGGGGGCGGGGG-3'

ClinVar aggregate classification (germline): Benign (1 of 4 stars; one submission).

Submission:

CeGaT Center for Human Genetics Tuebingen
Classification: Benign. Last evaluated: 2026-06-01. Review status: criteria provided, single submitter. Criteria: CeGaT Center For Human Genetics Tuebingen Variant Classification Criteria Version 2. Collection method: clinical testing. Allele origin: germline. Affected: yes. Observed: 2 variant alleles.
Comment: NOVA2: BP4, BP7, BS1, BS2